The following is an entry in ClinVar:

ClinVar aggregate classification (germline): Uncertain significance. Review status: criteria provided, multiple submitters, no conflicts (2 of 4 stars). 4 submissions from 4 submitters: Uncertain significance (4). Last evaluated 2026-04-01.

Conditions:
Neuronopathy, distal hereditary motor, autosomal recessive 8. Also called: SORBITOL DEHYDROGENASE DEFICIENCY; NEUROPATHY, DISTAL HEREDITARY MOTOR, AUTOSOMAL RECESSIVE 8; SORBITOL DEHYDROGENASE DEFICIENCY WITH PERIPHERAL NEUROPATHY. Identifiers: Orphanet 700508, MedGen C5394466, MONDO:0030055, OMIM 618912.

Allele frequency attached by ClinVar (database versions not stated): ESP Exome Variant Server 0.00015; TOPMed 0.00029; gnomAD 0.00033; ExAC 0.00042.
gnomAD v4.1: 207 of 1,586,258 alleles (0.013%); highest among the groups gnomAD compares: African/African-American, 0.059%; no homozygotes.

Submissions (4):

CeGaT Center for Human Genetics Tuebingen
Classification: Uncertain significance. Last evaluated: 2026-04-01. Review status: criteria provided, single submitter. Criteria: CeGaT Center For Human Genetics Tuebingen Variant Classification Criteria Version 2. Collection method: clinical testing. Allele origin: germline. Affected: yes. Observed: 1 variant allele.
Comment: SORD: PM2

Women's Health and Genetics/Laboratory Corporation of America, LabCorp
Classification: Uncertain significance. Last evaluated: 2026-03-17. Review status: criteria provided, single submitter. Criteria: LabCorp Variant Classification Summary - May 2015. Collection method: clinical testing. Allele origin: germline.
Comment: Variant summary: SORD c.50C>T (p.Pro17Leu) results in a non-conservative amino acid change in the encoded protein sequence. Algorithms developed to predict the effect of missense changes on protein structure and function are either unavailable or do not agree on the potential impact of this missense change. The variant allele was found at a frequency of 0.00022 in 215780 control chromosomes. This frequency is not significantly higher than estimated for disease-causing variants in SORD, allowing no conclusion about variant significance. To our knowledge, no occurrence of c.50C>T in individuals affected with SORD-related conditions and no experimental evidence demonstrating its impact on protein function have been reported. ClinVar contains an entry for this variant (Variation ID: 2664964). Based on the evidence outlined above, the variant was classified as uncertain significance.

Mayo Clinic Laboratories, Mayo Clinic
Classification: Uncertain significance. Last evaluated: 2025-10-31. Review status: criteria provided, single submitter. Criteria: ACMG Guidelines, 2015. Collection method: clinical testing. Allele origin: germline. Observed: 1 variant allele.
Comment: BP4_moderate

Institute of Human Genetics, University of Leipzig Medical Center
Classification: Uncertain significance for Neuronopathy, distal hereditary motor, autosomal recessive 8. Last evaluated: 2023-11-16. Review status: criteria provided, single submitter. Criteria: ACMG Guidelines, 2015. Collection method: clinical testing. Allele origin: maternal. Inheritance: Autosomal recessive inheritance. Affected: yes.
Comment: Criteria applied: PM3,PM2_SUP,BP4; Identified as compund heterozygous with NM_003104.6:c.757del

NM_003104.6(SORD):c.50C>T (p.Pro17Leu)

Gene: SORD (sorbitol dehydrogenase; plus strand). Cytogenetic location: 15q21.1.
Variant type: single nucleotide variant.
Coding change: c.50C>T on transcript NM_003104.6 (MANE Select); coding-DNA position 50, C replaced by T.
Protein change: p.Pro17Leu; replaces proline 17 with leucine.
Molecular consequence: missense variant. On other transcripts: non-coding transcript variant (1).
Genome position (GRCh38, 1-based): chr15:45,023,333, C>T. VCF-style: chr15-45023333-C-T. GRCh37 (hg19) VCF-style: chr15-45315531-C-T.
Other names: p.Pro17Leu; short protein forms P17L.
Identifiers: ClinVar variation 2664964 (VCV002664964.6), dbSNP rs143621304, ClinGen allele CA7537023.